The following is an entry in ClinVar:

ClinVar aggregate classification (germline): Uncertain significance. Review status: criteria provided, multiple submitters, no conflicts (2 of 4 stars). 3 submissions from 3 submitters: Uncertain significance (3). Last evaluated 2025-10-18.

Conditions:
Inborn genetic diseases. Identifiers: MedGen C0950123, MeSH D030342.
Familial hemophagocytic lymphohistiocytosis 3 (FHL3). Also called: UNC13D-Related Familial Hemophagocytic Lymphohistiocytosis (UNC13D-fHLH). Identifiers: Orphanet 540, MedGen C1837174, MONDO:0012146, OMIM 608898.

gnomAD v4.1: 9 of 1,611,098 alleles (0.00056%); highest among the groups gnomAD compares: African/African-American, 0.0094%; no homozygotes.

Submissions (3):

Ambry Genetics
Classification: Uncertain significance for Inborn genetic diseases. Last evaluated: 2025-10-18. Review status: criteria provided, single submitter. Criteria: Ambry Variant Classification Scheme 2023. Collection method: clinical testing. Allele origin: germline.

Baylor Genetics
Classification: Uncertain significance for Familial hemophagocytic lymphohistiocytosis 3. Last evaluated: 2018-05-25. Review status: criteria provided, single submitter. Criteria: ACMG Guidelines, 2015. Collection method: clinical testing. Allele origin: maternal. Affected: yes.
Comment: This variant was determined to be of uncertain significance according to ACMG Guidelines, 2015 [PMID:25741868].

Illumina Laboratory Services, Illumina
Classification: Uncertain significance for Familial hemophagocytic lymphohistiocytosis 3. Last evaluated: 2018-01-13. Review status: criteria provided, single submitter. Criteria: ICSL Variant Classification Criteria 13 December 2019. Collection method: clinical testing. Allele origin: germline.

NM_199242.3(UNC13D):c.197G>T (p.Arg66Leu)

Gene: UNC13D (unc-13 homolog D; minus strand). Cytogenetic location: 17q25.1.
Variant type: single nucleotide variant.
Coding change: c.197G>T on transcript NM_199242.3 (MANE Select); coding-DNA position 197, G replaced by T.
Protein change: p.Arg66Leu; replaces arginine 66 with leucine.
Molecular consequence: missense variant.
Genome position (GRCh38, 1-based): chr17:75,843,223, C>A on the plus strand (G>T on the coding strand, the complement: UNC13D is on the minus strand). VCF-style: chr17-75843223-C-A. GRCh37 (hg19) VCF-style: chr17-73839304-C-A.
Other names: short protein forms R66L.
Identifiers: ClinVar variation 325274 (VCV000325274.7), dbSNP rs371943727, ClinGen allele CA10650176.
Genomic context (GRCh38, chr17:75,843,223, plus strand): 5'-TGCAGGTATCGCAGCAGCTCAGAGGCCTCCGTCACATGGTTGGGCTCAGGATGACCCAGG[C>A]GGTGCAAGACAGTGTAGAGTGCGTCCTCGTAGAGCAGGGCCCGCTAAGACACACGGGGTC-3'
Protein context (NP_954712.1, residues 56-76): YEDALYTVLH[Arg66Leu]LGHPEPNHVT